The following is an entry in ClinVar:

NM_004519.4(KCNQ3):c.1799+6G>A

Gene: KCNQ3 (potassium voltage-gated channel subfamily Q member 3; minus strand). Cytogenetic location: 8q24.22.
Variant type: single nucleotide variant.
Coding change: c.1799+6G>A on transcript NM_004519.4 (MANE Select); 6 bases into the intron after coding-DNA position 1799, G replaced by A.
Molecular consequence: intron variant.
Genome position (GRCh38, 1-based): chr8:132,134,284, C>T on the plus strand (G>A on the coding strand, the complement: KCNQ3 is on the minus strand). VCF-style: chr8-132134284-C-T. GRCh37 (hg19) VCF-style: chr8-133146531-C-T.
Other names: c.1439+6G>A (NM_001204824.2).
Identifiers: ClinVar variation 510650 (VCV000510650.2), dbSNP rs1554622021, ClinGen allele CA658797147.

ClinVar aggregate classification (germline): Likely benign. Review status: criteria provided, multiple submitters, no conflicts (2 of 4 stars). 2 submissions from 2 submitters: Likely benign (2). Last evaluated 2020-09-04.

Allele frequency attached by ClinVar (database versions not stated): gnomAD exomes 0.00001.
gnomAD v4.1: 8 of 1,609,544 alleles (0.0005%); highest among the groups gnomAD compares: East Asian, 0.016%; no homozygotes.

Submissions (2):

Blueprint Genetics
Classification: Likely benign. Last evaluated: 2020-09-04. Review status: criteria provided, single submitter. Criteria: ACMG Guidelines, 2015. Collection method: clinical testing. Allele origin: germline.

GeneDx
Classification: Likely benign. Last evaluated: 2017-07-10. Review status: criteria provided, single submitter. Criteria: GeneDx Variant Classification (06012015). Collection method: clinical testing. Allele origin: germline. Affected: yes.
Comment: This variant is considered likely benign or benign based on one or more of the following criteria: it is a conservative change, it occurs at a poorly conserved position in the protein, it is predicted to be benign by multiple in silico algorithms, and/or has population frequency not consistent with disease.